The following is an entry in ClinVar:

NM_001378183.1(PIEZO2):c.3479T>C (p.Ile1160Thr)

Gene: PIEZO2 (piezo type mechanosensitive ion channel component 2; minus strand). Cytogenetic location: 18p11.22.
Variant type: single nucleotide variant.
Coding change: c.3479T>C on transcript NM_001378183.1 (MANE Select); coding-DNA position 3479, T replaced by C.
Protein change: p.Ile1160Thr; replaces isoleucine 1160 with threonine.
Molecular consequence: missense variant.
Genome position (GRCh38, 1-based): chr18:10,759,881, A>G on the plus strand (T>C on the coding strand, the complement: PIEZO2 is on the minus strand). VCF-style: chr18-10759881-A-G. GRCh37 (hg19) VCF-style: chr18-10759879-A-G.
Other names: c.3479T>C, p.Ile1160Thr (NM_001410871.1); c.3404T>C, p.Ile1135Thr (NM_022068.4); short protein forms I1135T, I1160T.
Identifiers: ClinVar variation 3251444 (VCV003251444.2), dbSNP rs1288890705.

ClinVar aggregate classification (germline): Uncertain significance (1 of 4 stars; one submission).

Allele frequency attached by ClinVar (database versions not stated): gnomAD 0.00001; TOPMed 0.00001; gnomAD exomes below 0.00001.
gnomAD v4.1: 3 of 1,537,494 alleles (0.0002%); highest among the groups gnomAD compares: Middle Eastern, 0.017%; no homozygotes.

Submission:

Women's Health and Genetics/Laboratory Corporation of America, LabCorp
Classification: Uncertain significance. Last evaluated: 2026-06-25. Review status: criteria provided, single submitter. Criteria: LabCorp Variant Classification Summary - May 2015. Collection method: clinical testing. Allele origin: germline.
Comment: Variant summary: PIEZO2 c.3404T>C (p.Ile1135Thr) results in a non-conservative amino acid change in the encoded protein sequence. Algorithms developed to predict the effect of missense changes on protein structure and function all suggest that this variant is likely to be disruptive. The variant was absent in 145538 control chromosomes. The available data on variant occurrences in the general population are insufficient to allow any conclusion about variant significance. To our knowledge, no occurrence of c.3404T>C in individuals affected with PIEZO2-related conditions and no experimental evidence demonstrating its impact on protein function have been reported. ClinVar contains an entry for this variant (Variation ID: 3251444). Based on the evidence outlined above, the variant was classified as uncertain significance.